The following is an entry in ClinVar:

NM_000059.4(BRCA2):c.20del (p.Glu7fs)

Gene: BRCA2 (BRCA2 DNA repair associated; plus strand). Cytogenetic location: 13q13.1.
Variant type: Deletion.
Coding change: c.20del on transcript NM_000059.4 (MANE Select); coding-DNA position 20, one base deleted (A; older notation c.20delA).
Protein change: p.Glu7fs; shifts the reading frame from glutamic acid 7.
Molecular consequence: frameshift variant.
Genome position (GRCh38, 1-based): chr13:32,316,480, A deleted. VCF-style (leftmost placement, unchanged base first): chr13-32316479-GA-G. GRCh37 (hg19) VCF-style: chr13-32890616-GA-G.
Other names: short protein forms E7fs.
Identifiers: ClinVar variation 1068842 (VCV001068842.7), dbSNP rs2138698155, ClinGen allele CA2499222013.

ClinVar aggregate classification (germline): Pathogenic (1 of 4 stars; one submission).

Conditions:
Hereditary breast ovarian cancer syndrome. Also called: Breast and ovarian cancer; BRCA1- and BRCA2-Associated Hereditary Breast and Ovarian Cancer; Hereditary breast and ovarian cancer syndrome; Hereditary breast and/or ovarian cancer syndrome; Hereditary breast and ovarian cancer; Hereditary breast and ovarian cancer syndrome (HBOC). Identifiers: Orphanet 145, MedGen C0677776, MeSH D061325, MONDO:0003582. Disease mechanism: loss of function.

Submission:

Labcorp Genetics (formerly Invitae), Labcorp
Classification: Pathogenic for Hereditary breast ovarian cancer syndrome. Last evaluated: 2021-02-28. Review status: criteria provided, single submitter. Criteria: Invitae Variant Classification Sherloc (09022015). Collection method: clinical testing. Allele origin: germline.
Comment: This sequence change creates a premature translational stop signal (p.Glu7Glyfs*18) in the BRCA2 gene. It is expected to result in an absent or disrupted protein product. Loss-of-function variants in BRCA2 are known to be pathogenic (PMID: 20104584). This variant is not present in population databases (ExAC no frequency). This variant has not been reported in the literature in individuals with BRCA2-related conditions. Algorithms developed to predict the effect of sequence changes on RNA splicing suggest that this variant may create or strengthen a splice site, but this prediction has not been confirmed by published transcriptional studies. For these reasons, this variant has been classified as Pathogenic.

Literature cited by the submitters: PubMed 20104584.